The following is an entry in ClinVar:

ClinVar aggregate classification (germline): Uncertain significance (1 of 4 stars; one submission).

gnomAD v4.1: 3 of 1,600,178 alleles (0.00019%); highest among the groups gnomAD compares: South Asian, 0.0011%; no homozygotes.

Submission:

Labcorp Genetics (formerly Invitae), Labcorp
Classification: Uncertain significance. Last evaluated: 2024-12-31. Review status: criteria provided, single submitter. Criteria: Invitae Variant Classification Sherloc (09022015). Collection method: clinical testing. Allele origin: germline.
Comment: This sequence change replaces serine, which is neutral and polar, with isoleucine, which is neutral and non-polar, at codon 467 of the TCF3 protein (p.Ser467Ile). This variant is not present in population databases (gnomAD no frequency). This variant has not been reported in the literature in individuals affected with TCF3-related conditions. Invitae Evidence Modeling of protein sequence and biophysical properties (such as structural, functional, and spatial information, amino acid conservation, physicochemical variation, residue mobility, and thermodynamic stability) indicates that this missense variant is not expected to disrupt TCF3 protein function with a negative predictive value of 80%. In summary, the available evidence is currently insufficient to determine the role of this variant in disease. Therefore, it has been classified as a Variant of Uncertain Significance.

NM_003200.5(TCF3):c.1400G>T (p.Ser467Ile)

Gene: TCF3 (transcription factor 3; minus strand). Cytogenetic location: 19p13.3.
Variant type: single nucleotide variant.
Coding change: c.1400G>T on transcript NM_003200.5 (MANE Select); coding-DNA position 1400, G replaced by T.
Protein change: p.Ser467Ile; replaces serine 467 with isoleucine.
Molecular consequence: missense variant.
Genome position (GRCh38, 1-based): chr19:1,619,161, C>A on the plus strand (G>T on the coding strand, the complement: TCF3 is on the minus strand). VCF-style: chr19-1619161-C-A. GRCh37 (hg19) VCF-style: chr19-1619160-C-A.
Other names: c.1400G>T, p.Ser467Ile (NM_001136139.4, NM_001351779.2); c.1397G>T, p.Ser466Ile (NM_001351778.2); short protein forms S466I, S467I.
Identifiers: ClinVar variation 3609759 (VCV003609759.2).